The following is an entry in ClinVar:

NM_001257180.2(SLC20A2):c.807A>C (p.Pro269=)

Gene: SLC20A2 (solute carrier family 20 member 2; minus strand). Cytogenetic location: 8p11.21.
Variant type: single nucleotide variant.
Coding change: c.807A>C on transcript NM_001257180.2 (MANE Select); coding-DNA position 807, A replaced by C.
Protein change: p.Pro269=; no amino-acid change (proline 269 retained).
Molecular consequence: synonymous variant.
Genome position (GRCh38, 1-based): chr8:42,439,577, T>G on the plus strand (A>C on the coding strand, the complement: SLC20A2 is on the minus strand). VCF-style: chr8-42439577-T-G. GRCh37 (hg19) VCF-style: chr8-42297095-T-G.
Other names: p.Pro269=; c.807A>C, p.Pro269= (NM_001257181.2, NM_006749.5).
Identifiers: ClinVar variation 4683341 (VCV004683341.1).
Genomic context (GRCh38, chr8:42,439,577, plus strand): 5'-TCCCGTGAGCGGGATGGTGCTGTCATCATTAGCCTTGGCACCTGGTAGCTCTTTAAATAC[T>G]GGGGACTCTGCTTCCTGAACCTTACTGAGGCTTTCGTCAGATACTCGTGATAAAGCACCT-3'
Protein context (NP_001244109.1, residues 259-279): SLSKVQEAES[Pro269=]VFKELPGAKA

ClinVar aggregate classification (germline): Likely benign (1 of 4 stars; one submission).

gnomAD v4.1: 1 of 1,614,206 alleles (0.000062%); highest among the groups gnomAD compares: Non-Finnish European, 0.000085%; no homozygotes.

Submission:

Mayo Clinic Laboratories, Mayo Clinic
Classification: Likely benign. Last evaluated: 2025-06-17. Review status: criteria provided, single submitter. Criteria: ACMG Guidelines, 2015. Collection method: clinical testing. Allele origin: germline. Observed: 1 variant allele.
Comment: BP4, BP7